The following is an entry in ClinVar:

NM_007348.4(ATF6):c.1492A>G (p.Arg498Gly)

Gene: ATF6 (activating transcription factor 6; plus strand). Cytogenetic location: 1q23.3.
Variant type: single nucleotide variant.
Coding change: c.1492A>G on transcript NM_007348.4 (MANE Select); coding-DNA position 1492, A replaced by G.
Protein change: p.Arg498Gly; replaces arginine 498 with glycine.
Molecular consequence: missense variant.
Genome position (GRCh38, 1-based): chr1:161,853,282, A>G. VCF-style: chr1-161853282-A-G. GRCh37 (hg19) VCF-style: chr1-161823072-A-G.
Other names: c.1492A>G, p.Arg498Gly (NM_001410890.1); short protein forms R498G.
Identifiers: ClinVar variation 3643415 (VCV003643415.2).

ClinVar aggregate classification (germline): Uncertain significance (1 of 4 stars; one submission).

gnomAD v4.1: 1 of 1,613,840 alleles (0.000062%); highest among the groups gnomAD compares: Non-Finnish European, 0.000085%; no homozygotes.

Submission:

Labcorp Genetics (formerly Invitae), Labcorp
Classification: Uncertain significance. Last evaluated: 2024-02-26. Review status: criteria provided, single submitter. Criteria: Invitae Variant Classification Sherloc (09022015). Collection method: clinical testing. Allele origin: germline.
Comment: This sequence change replaces arginine, which is basic and polar, with glycine, which is neutral and non-polar, at codon 498 of the ATF6 protein (p.Arg498Gly). This variant is not present in population databases (gnomAD no frequency). This variant has not been reported in the literature in individuals affected with ATF6-related conditions. Advanced modeling of protein sequence and biophysical properties (such as structural, functional, and spatial information, amino acid conservation, physicochemical variation, residue mobility, and thermodynamic stability) performed at Invitae indicates that this missense variant is not expected to disrupt ATF6 protein function with a negative predictive value of 80%. In summary, the available evidence is currently insufficient to determine the role of this variant in disease. Therefore, it has been classified as a Variant of Uncertain Significance.